The following is an entry in ClinVar:

NM_025137.4(SPG11):c.6621C>G (p.Ile2207Met)

Gene: SPG11 (SPG11 vesicle trafficking associated, spatacsin; minus strand). Cytogenetic location: 15q21.1.
Variant type: single nucleotide variant.
Coding change: c.6621C>G on transcript NM_025137.4 (MANE Select); coding-DNA position 6621, C replaced by G.
Protein change: p.Ile2207Met; replaces isoleucine 2207 with methionine.
Molecular consequence: missense variant.
Genome position (GRCh38, 1-based): chr15:44,567,557, G>C on the plus strand (C>G on the coding strand, the complement: SPG11 is on the minus strand). VCF-style: chr15-44567557-G-C. GRCh37 (hg19) VCF-style: chr15-44859755-G-C.
Other names: c.6282C>G, p.Ile2094Met (NM_001160227.2); short protein forms I2094M, I2207M.
Identifiers: ClinVar variation 948415 (VCV000948415.42), dbSNP rs758008249, ClinGen allele CA7534061.
Genomic context (GRCh38, chr15:44,567,557, plus strand): 5'-CATGCTGAAGCACAGGGCAATCATATTGTGCTTTTCACTGTCTCCAGGACGGCAGCGTTT[G>C]ATGTAGTCCAGCAGGGCTGTTTTCAGGGTACCACTCTGCCCAGAATAAAAGGGAAAAAGC-3'
Protein context (NP_079413.3, residues 2197-2217): GTLKTALLDY[Ile2207Met]KRCRPGDSEK

ClinVar aggregate classification (germline): Uncertain significance. Review status: criteria provided, multiple submitters, no conflicts (2 of 4 stars). 7 submissions from 5 submitters: Uncertain significance (7). Last evaluated 2025-03-22.

Conditions:
Inborn genetic diseases. Identifiers: MedGen C0950123, MeSH D030342.
Charcot-Marie-Tooth disease axonal type 2X. Also called: CHARCOT-MARIE-TOOTH DISEASE, AXONAL, AUTOSOMAL RECESSIVE, TYPE 2X; CHARCOT-MARIE-TOOTH NEUROPATHY, TYPE 2X. Identifiers: Orphanet 466775, MedGen C5569024, MONDO:0014726, OMIM 616668.
Amyotrophic lateral sclerosis type 5 (ALS5). Also called: AMYOTROPHIC LATERAL SCLEROSIS 5, JUVENILE. Identifiers: Orphanet 300605, MedGen C1865864, MONDO:0011196, OMIM 602099.
Hereditary spastic paraplegia 11. Also called: Nakamura Osame syndrome; Autosomal recessive hereditary spastic paraplegia, mental impairment, and thin corpus callosum; Spastic paraplegia, mental retardation and thin corpus callosum; Spastic Paraplegia 11; SPASTIC PARAPLEGIA, AUTOSOMAL RECESSIVE, COMPLICATED, WITH THIN CORPUS CALLOSUM; SPASTIC PARAPLEGIA, AUTOSOMAL RECESSIVE, WITH MENTAL IMPAIRMENT AND THIN CORPUS CALLOSUM. Identifiers: Orphanet 2822, MedGen C1858479, MONDO:0011445, OMIM 604360.

Allele frequency attached by ClinVar (database versions not stated): gnomAD exomes 0.00001 and 0.00002; ExAC 0.00002; gnomAD 0.00003; TOPMed 0.00003.
gnomAD v4.1: 24 of 1,613,902 alleles (0.0015%); highest among the groups gnomAD compares: Non-Finnish European, 0.0019%; no homozygotes.

Submissions (7):

Ambry Genetics
Classification: Uncertain significance for Inborn genetic diseases. Last evaluated: 2025-03-22. Review status: criteria provided, single submitter. Criteria: Ambry Variant Classification Scheme 2023. Collection method: clinical testing. Allele origin: germline.

GeneDx
Classification: Uncertain significance. Last evaluated: 2022-07-08. Review status: criteria provided, single submitter. Criteria: GeneDx Variant Classification Process June 2021. Collection method: clinical testing. Allele origin: germline. Affected: yes.
Comment: Not observed at significant frequency in large population cohorts (gnomAD); In silico analysis supports that this missense variant does not alter protein structure/function; Has not been previously published as pathogenic or benign to our knowledge

Labcorp Genetics (formerly Invitae), Labcorp
Classification: Uncertain significance for Hereditary spastic paraplegia 11. Last evaluated: 2022-05-27. Review status: criteria provided, single submitter. Criteria: Invitae Variant Classification Sherloc (09022015). Collection method: clinical testing. Allele origin: germline.
Comment: This sequence change replaces isoleucine, which is neutral and non-polar, with methionine, which is neutral and non-polar, at codon 2207 of the SPG11 protein (p.Ile2207Met). This variant is present in population databases (rs758008249, gnomAD 0.004%). This variant has not been reported in the literature in individuals affected with SPG11-related conditions. ClinVar contains an entry for this variant (Variation ID: 948415). Algorithms developed to predict the effect of missense changes on protein structure and function are either unavailable or do not agree on the potential impact of this missense change (SIFT: "Deleterious"; PolyPhen-2: "Possibly Damaging"; Align-GVGD: "Class C0"). In summary, the available evidence is currently insufficient to determine the role of this variant in disease. Therefore, it has been classified as a Variant of Uncertain Significance.

CeGaT Center for Human Genetics Tuebingen
Classification: Uncertain significance. Last evaluated: 2021-06-01. Review status: criteria provided, single submitter. Criteria: CeGaT Center For Human Genetics Tuebingen Variant Classification Criteria Version 2. Collection method: clinical testing. Allele origin: germline. Affected: yes. Observed: 1 variant allele.

Genome-Nilou Lab
Classification: Uncertain significance for Amyotrophic lateral sclerosis type 5. Review status: criteria provided, single submitter. Criteria: ACMG Guidelines, 2015. Collection method: clinical testing. Allele origin: germline.

Genome-Nilou Lab
Classification: Uncertain significance for Charcot-Marie-Tooth disease axonal type 2X. Review status: criteria provided, single submitter. Criteria: ACMG Guidelines, 2015. Collection method: clinical testing. Allele origin: germline.

Genome-Nilou Lab
Classification: Uncertain significance for Hereditary spastic paraplegia 11. Review status: criteria provided, single submitter. Criteria: ACMG Guidelines, 2015. Collection method: clinical testing. Allele origin: germline.